The following is an entry in ClinVar:

ClinVar aggregate classification (germline): Uncertain significance (1 of 4 stars; one submission).

Conditions:
Genitopatellar syndrome (GTPTS). Also called: ABSENT PATELLAE, SCROTAL HYPOPLASIA, RENAL ANOMALIES, FACIAL DYSMORPHISM, AND MENTAL RETARDATION; Genitopatellar syndrome (GPS). Identifiers: Orphanet 85201, MedGen C1853566, MONDO:0011640, OMIM 606170.

gnomAD v4.1: 1 of 1,614,112 alleles (0.000062%); highest among the groups gnomAD compares: Admixed American, 0.0017%; no homozygotes.

Submission:

Labcorp Genetics (formerly Invitae), Labcorp
Classification: Uncertain significance for Genitopatellar syndrome. Last evaluated: 2022-04-26. Review status: criteria provided, single submitter. Criteria: Invitae Variant Classification Sherloc (09022015). Collection method: clinical testing. Allele origin: germline.
Comment: In summary, the available evidence is currently insufficient to determine the role of this variant in disease. Therefore, it has been classified as a Variant of Uncertain Significance. Algorithms developed to predict the effect of missense changes on protein structure and function are either unavailable or do not agree on the potential impact of this missense change (SIFT: "Tolerated"; PolyPhen-2: "Possibly Damaging"; Align-GVGD: "Class C0"). This variant has not been reported in the literature in individuals affected with KAT6B-related conditions. This variant is present in population databases (no rsID available, gnomAD 0.003%). This sequence change replaces methionine, which is neutral and non-polar, with leucine, which is neutral and non-polar, at codon 2021 of the KAT6B protein (p.Met2021Leu).

NM_012330.4(KAT6B):c.6061A>T (p.Met2021Leu)

Gene: KAT6B (lysine acetyltransferase 6B; plus strand). Cytogenetic location: 10q22.2.
Variant type: single nucleotide variant.
Coding change: c.6061A>T on transcript NM_012330.4 (MANE Select); coding-DNA position 6061, A replaced by T.
Protein change: p.Met2021Leu; replaces methionine 2021 with leucine.
Molecular consequence: missense variant.
Genome position (GRCh38, 1-based): chr10:75,030,885, A>T. VCF-style: chr10-75030885-A-T. GRCh37 (hg19) VCF-style: chr10-76790643-A-T.
Other names: c.5512A>T, p.Met1838Leu (NM_001256468.2, NM_001370138.1); c.5185A>T, p.Met1729Leu (NM_001256469.2, NM_001370139.1, NM_001370140.1 and 2 more transcripts); c.5023A>T, p.Met1675Leu (NM_001370132.1); c.4372A>T, p.Met1458Leu (NM_001370133.1); c.3976A>T, p.Met1326Leu (NM_001370134.1); c.3718A>T, p.Met1240Leu (NM_001370135.1); c.6061A>T, p.Met2021Leu (NM_001370136.1, NM_001370137.1); c.4996A>T, p.Met1666Leu (NM_001370143.1, NM_001370144.1); short protein forms M1675L, M1729L, M1326L, M2021L, M1240L, M1458L, M1838L, M1666L.
Identifiers: ClinVar variation 2126405 (VCV002126405.4), dbSNP rs1477195408, ClinGen allele CA377302868.